The following is an entry in ClinVar:

NM_000203.5(IDUA):c.1154C>T (p.Pro385Leu)

Gene: IDUA (alpha-L-iduronidase; plus strand). Cytogenetic location: 4p16.3.
Variant type: single nucleotide variant.
Coding change: c.1154C>T on transcript NM_000203.5 (MANE Select); coding-DNA position 1154, C replaced by T.
Protein change: p.Pro385Leu; replaces proline 385 with leucine.
Molecular consequence: missense variant. On other transcripts: non-coding transcript variant (1).
Genome position (GRCh38, 1-based): chr4:1,002,450, C>T. VCF-style: chr4-1002450-C-T. GRCh37 (hg19) VCF-style: chr4-996238-C-T.
Other names: NM_001363576.1:c.758C>T; c.758C>T, p.Pro253Leu (NM_001363576.1); short protein forms P253L, P385L.
Identifiers: ClinVar variation 5016539 (VCV005016539.1).
Genomic context (GRCh38, chr4:1,002,450, plus strand): 5'-TCACCGCGCGCTTCCAGGTCAACAACACCCGCCCGCCGCACGTGCAGCTGTTGCGCAAGC[C>T]GGTGCTCACGGCCATGGGGCTGCTGGCGCTGCTGGGTGAGCCGGGGCCGCTGGGGTGGGC-3'
Protein context (NP_000194.2, residues 375-395): RPPHVQLLRK[Pro385Leu]VLTAMGLLAL

ClinVar aggregate classification (germline): Likely pathogenic (3 of 4 stars; one submission).

Conditions:
Mucopolysaccharidosis type 1. Also called: IDUA deficiency; MPS I; Mucopolysaccharidosis Type I. Identifiers: Orphanet 579, MedGen C0023786, MONDO:0001586.

gnomAD v4.1: 1 of 1,556,854 alleles (0.000064%); highest among the groups gnomAD compares: Non-Finnish European, 0.000087%; no homozygotes.

Submission:

ClinGen Lysosomal Storage Disorder Variant Curation Expert Panel
Classification: Likely pathogenic for Mucopolysaccharidosis type 1. Last evaluated: 2026-09-21. Review status: reviewed by expert panel. Criteria: ClinGen LSD ACMG Specifications IDUA V1.2.0. Collection method: curation. Allele origin: germline. Inheritance: Autosomal recessive inheritance.
Comment: The NM_000203.5:c.1154C>T variant in IDUA is a missense variant predicted to cause substitution of proline by leucine at amino acid 385 (p.Pro385Leu). This variant has been detected in at least one individual with MPS I. This patient has a clinical diagnosis of Hurler-Scheie (confirmed biochemically), presenting with clinical features specific to MPS I including coarse facial features, visual impairment, respiratory disease, hernias, joint disease, bone disease, short stature and receives enzyme replacement therapy (PMID 27896125, PP4_moderate). The highest population minor allele frequency in gnomAD v4.1.0 is 0.0000008685 (1/1151464 alleles) in the European (Non-Finnish) population, which is lower than the ClinGen Lysosomal Diseases VCEP’s threshold for PM2_Supporting (<0.00025), meeting this criterion (PM2_Supporting). The computational predictor REVEL gives a score of 0.89 which is above the threshold of 0.773, evidence that correlates with impact to IDUA function at the moderate level based on the specifications of the ClinGen Lysosomal Diseases VCEP (PMID: 36413997) (PP3_Moderate). In summary, this variant meets the criteria to be classified as likely pathogenic for MPS I based on the IDUA-specific ACMG/AMP criteria applied, as specified by the ClinGen Lysosomal Diseases Variant Curation Expert Panel (Specifications Version 1.2.0): PM2_supporting, PM3_supporting, PP3_moderate, PP4_moderate (Classification approved by the ClinGen Lysosomal Diseases Variant Curation Expert Panel on September 21, 2026)